The following is an entry in ClinVar:

ClinVar aggregate classification (germline): Pathogenic. Review status: criteria provided, multiple submitters, no conflicts (2 of 4 stars). 3 submissions from 3 submitters: Pathogenic (2). 1 of the submissions does not count toward it. Last evaluated 2026-08-10.

Conditions:
Tubulointerstitial kidney disease, autosomal dominant, 2 (ADTKD2). Also called: MEDULLARY CYSTIC KIDNEY DISEASE, AUTOSOMAL DOMINANT; POLYCYSTIC KIDNEYS, MEDULLARY TYPE; Autosomal Dominant Tubulointerstitial Kidney Disease – MUC1; Medullary cystic kidney disease 1. Identifiers: Orphanet 34149, Orphanet 88949, MedGen C1868139, MONDO:0020726, OMIM 174000.

Submissions (3):

Institute of Human Genetics, University of Leipzig Medical Center
Classification: Pathogenic for Tubulointerstitial kidney disease, autosomal dominant, 2. Last evaluated: 2026-08-10. Review status: criteria provided, single submitter. Criteria: ACMG Guidelines, 2015. Collection method: clinical testing. Allele origin: unknown. Inheritance: Autosomal dominant inheritance. Affected: yes.

CeGaT Center for Human Genetics Tuebingen
Classification: Pathogenic. Last evaluated: 2025-10-01. Review status: criteria provided, single submitter. Criteria: CeGaT Center For Human Genetics Tuebingen Variant Classification Criteria Version 2. Collection method: clinical testing. Allele origin: germline. Affected: yes. Observed: 2 variant alleles.
Comment: MUC1: PS4, PVS1:Strong, PM2

Gharavi Laboratory, Columbia University
Classification: Uncertain significance. Last evaluated: 2018-09-16. Review status: no assertion criteria provided. Criteria: ACMG Guidelines, 2015. Collection method: research. Allele origin: germline. Affected: yes. Not counted in ClinVar's aggregate classification.

NM_001204285.2(MUC1):c.401dup (p.Ala135fs)

Gene: MUC1 (mucin 1, cell surface associated; minus strand). Cytogenetic location: 1q22.
Variant type: Duplication.
Coding change: c.401dup on transcript NM_001204285.2; coding-DNA position 401, one base duplicated (C; older notation c.401dupC).
Protein change: p.Ala135fs; shifts the reading frame from alanine 135.
Molecular consequence: frameshift variant. On other transcripts: intron variant (18).
Genome position (GRCh38, 1-based): chr1:155,191,941, G duplicated on the plus strand (C on the coding strand, the reverse complement: MUC1 is on the minus strand); the first of 7 consecutive G bases (chr1:155,191,941-155,191,947); duplicating any one gives the same sequence. VCF-style (leftmost placement, unchanged base first): chr1-155191940-T-TG. GRCh37 (hg19) VCF-style: chr1-155161731-T-TG.
Other names: c.428dup, p.Ala144fs (NM_001204286.1); c.186+236dup (NM_001204291.1, NM_001204292.1, NM_001204295.1 and 7 more transcripts); c.123+236dup (NM_001204290.2); c.159+236dup (NM_001204294.2, NM_001044393.3, NM_001044390.3 and 4 more transcripts); short protein forms A135fs, A144fs.
Identifiers: ClinVar variation 591327 (VCV000591327.10), dbSNP rs1557836992, ClinGen allele CA891862838.
Genomic context (GRCh38, chr1:155,191,940, plus strand): 5'-TTGGGGGGCGGTGGAGCCCGGGGCCGGCCTGGTGTCCGGGGCCGAGGTGACACCGTGGGC[T>TG]GGGGGGGCGGTGGAGCCCGGGGCTGGCTTGTTGTCCGGGGCTGAGGTGACATCGTGGGCT-3'